The following is an entry in ClinVar:

ClinVar aggregate classification (germline): Uncertain significance (1 of 4 stars; one submission).

Conditions:
Epidermolysis bullosa simplex 5B, with muscular dystrophy (EBS5B). Also called: EPIDERMOLYSIS BULLOSA SIMPLEX AND LIMB-GIRDLE MUSCULAR DYSTROPHY; Epidermolysis bullosa simplex with muscular dystrophy. Identifiers: Orphanet 257, MedGen C2931072, MONDO:0009181, OMIM 226670.
Epidermolysis bullosa simplex with nail dystrophy (EBS5D). Identifiers: MedGen C4225309, MONDO:0014661, OMIM 616487.
Epidermolysis bullosa simplex, Ogna type (EBS5A). Also called: EPIDERMOLYSIS BULLOSA SIMPLEX 5A, OGNA TYPE; Pidermolysis bullosa simplex 5A, Ogna type. Identifiers: Orphanet 79401, MedGen C0432317, MONDO:0007555, OMIM 131950.
Autosomal recessive limb-girdle muscular dystrophy type 2Q (LGMDR17). Also called: MUSCULAR DYSTROPHY, LIMB-GIRDLE, AUTOSOMAL RECESSIVE 17. Identifiers: Orphanet 254361, MedGen C3150989, MONDO:0013390, OMIM 613723.
Epidermolysis bullosa simplex 5C, with pyloric atresia (EBS5C). Also called: Epidermolysis bullosa simplex with pyloric atresia; PLEC-Related Epidermolysis Bullosa with Pyloric Atresia; PLEC1-Related Epidermolysis Bullosa with Pyloric Atresia. Identifiers: Orphanet 158684, MedGen C2677349, MONDO:0012807, OMIM 612138.

Submission:

Labcorp Genetics (formerly Invitae), Labcorp
Classification: Uncertain significance for Autosomal recessive limb-girdle muscular dystrophy type 2Q; Epidermolysis bullosa simplex, Ogna type; Epidermolysis bullosa simplex with nail dystrophy; Epidermolysis bullosa simplex 5C, with pyloric atresia; Epidermolysis bullosa simplex 5B, with muscular dystrophy. Last evaluated: 2019-06-07. Review status: criteria provided, single submitter. Criteria: Invitae Variant Classification Sherloc (09022015). Collection method: clinical testing. Allele origin: germline.
Comment: In summary, the available evidence is currently insufficient to determine the role of this variant in disease. Therefore, it has been classified as a Variant of Uncertain Significance. Algorithms developed to predict the effect of missense changes on protein structure and function are either unavailable or do not agree on the potential impact of this missense change (SIFT: "Deleterious"; PolyPhen-2: "Not available"; Align-GVGD: "Class C35"). This variant has not been reported in the literature in individuals with PLEC-related conditions. This variant is not present in population databases (ExAC no frequency). This sequence change replaces glutamic acid with glycine at codon 1082 of the PLEC protein (p.Glu1082Gly). The glutamic acid residue is moderately conserved and there is a moderate physicochemical difference between glutamic acid and glycine.

NM_201384.3(PLEC):c.3164A>G (p.Glu1055Gly)

Gene: PLEC (plectin; minus strand). Cytogenetic location: 8q24.3.
Variant type: single nucleotide variant.
Coding change: c.3164A>G on transcript NM_201384.3 (MANE Select); coding-DNA position 3164, A replaced by G.
Protein change: p.Glu1055Gly; replaces glutamic acid 1055 with glycine.
Molecular consequence: missense variant.
Genome position (GRCh38, 1-based): chr8:143,929,199, T>C on the plus strand (A>G on the coding strand, the complement: PLEC is on the minus strand). VCF-style: chr8-143929199-T-C. GRCh37 (hg19) VCF-style: chr8-145003367-T-C.
Other names: c.3245A>G, p.Glu1082Gly (NM_000445.5); c.3122A>G, p.Glu1041Gly (NM_201378.4); c.3098A>G, p.Glu1033Gly (NM_201379.3); c.3575A>G, p.Glu1192Gly (NM_201380.4); c.3068A>G, p.Glu1023Gly (NM_201381.3); c.3164A>G, p.Glu1055Gly (NM_201382.4); c.3176A>G, p.Glu1059Gly (NM_201383.3); short protein forms E1082G, E1041G, E1059G, E1033G, E1023G, E1055G, E1192G.
Identifiers: ClinVar variation 945248 (VCV000945248.7), dbSNP rs1554710421, ClinGen allele CA372568839.